The following is an entry in ClinVar:

ClinVar aggregate classification (germline): Uncertain significance (1 of 4 stars; one submission).

Conditions:
Hereditary cancer-predisposing syndrome. Also called: Neoplastic Syndromes, Hereditary; Tumor predisposition; Hereditary Cancer Syndrome; Hereditary neoplastic syndrome. Identifiers: Orphanet 140162, MedGen C0027672, MeSH D009386, MONDO:0015356.

gnomAD v4.1: 1 of 1,613,420 alleles (0.000062%); highest among the groups gnomAD compares: East Asian, 0.0022%; no homozygotes.

Submission:

Ambry Genetics
Classification: Uncertain significance for Hereditary cancer-predisposing syndrome. Last evaluated: 2025-10-15. Review status: criteria provided, single submitter. Criteria: Ambry Variant Classification Scheme 2023. Collection method: clinical testing. Allele origin: germline.
Comment: The p.V1609M variant (also known as c.4825G>A), located in coding exon 37 of the POLE gene, results from a G to A substitution at nucleotide position 4825. The valine at codon 1609 is replaced by methionine, an amino acid with highly similar properties. This amino acid position is highly conserved in available vertebrate species. In addition, this alteration is predicted to be tolerated by in silico analysis. Based on the available evidence, the clinical significance of this variant remains unclear.

NM_006231.4(POLE):c.4825G>A (p.Val1609Met)

Gene: POLE (DNA polymerase epsilon, catalytic subunit; minus strand). Cytogenetic location: 12q24.33.
Variant type: single nucleotide variant.
Coding change: c.4825G>A on transcript NM_006231.4 (MANE Select); coding-DNA position 4825, G replaced by A.
Protein change: p.Val1609Met; replaces valine 1609 with methionine.
Molecular consequence: missense variant.
Genome position (GRCh38, 1-based): chr12:132,642,633, C>T on the plus strand (G>A on the coding strand, the complement: POLE is on the minus strand). VCF-style: chr12-132642633-C-T. GRCh37 (hg19) VCF-style: chr12-133219219-C-T.
Other names: short protein forms V1609M.
Identifiers: ClinVar variation 4671815 (VCV004671815.1).